The following is an entry in ClinVar:

ClinVar aggregate classification (germline): Benign/Likely benign. Review status: criteria provided, multiple submitters, no conflicts (2 of 4 stars). 2 submissions from 2 submitters: Benign (1); Likely benign (1). Last evaluated 2025-05-01.

Allele frequency attached by ClinVar (database versions not stated): 1000 Genomes Project 0.00339; gnomAD exomes 0.00024 and 0.00043; ExAC 0.00054; gnomAD 0.00063 and 0.00070; TOPMed 0.00068; ESP Exome Variant Server 0.00085; 1000 Genomes Project 30x 0.00281.
gnomAD v4.1: 451 of 1,613,284 alleles (0.028%); highest among the groups gnomAD compares: East Asian, 0.51%; 1 homozygote.

Submissions (2):

CeGaT Center for Human Genetics Tuebingen
Classification: Likely benign. Last evaluated: 2025-05-01. Review status: criteria provided, single submitter. Criteria: CeGaT Center For Human Genetics Tuebingen Variant Classification Criteria Version 2. Collection method: clinical testing. Allele origin: germline. Affected: yes. Observed: 1 variant allele.
Comment: GPR35: BP4, BP7

Labcorp Genetics (formerly Invitae), Labcorp
Classification: Benign. Last evaluated: 2018-03-29. Review status: criteria provided, single submitter. Criteria: Invitae Variant Classification Sherloc (09022015). Collection method: clinical testing. Allele origin: germline.

NM_005301.5(GPR35):c.858G>A (p.Ala286=)

Gene: GPR35 (G protein-coupled receptor 35; plus strand). Cytogenetic location: 2q37.3.
Variant type: single nucleotide variant.
Coding change: c.858G>A on transcript NM_005301.5 (MANE Select); coding-DNA position 858, G replaced by A.
Protein change: p.Ala286=; no amino-acid change (alanine 286 retained).
Molecular consequence: synonymous variant.
Genome position (GRCh38, 1-based): chr2:240,630,810, G>A. VCF-style: chr2-240630810-G-A. GRCh37 (hg19) VCF-style: chr2-241570227-G-A.
Other names: c.951G>A, p.Ala317= (NM_001195381.3, NM_001195382.3, NM_001394730.1).
Identifiers: ClinVar variation 715950 (VCV000715950.13), dbSNP rs140467268, ClinGen allele CA2206396.